The following is an entry in ClinVar:

ClinVar aggregate classification (germline): Likely benign (1 of 4 stars; one submission).

Allele frequency attached by ClinVar (database versions not stated): TOPMed 0.00011; gnomAD 0.00030; 1000 Genomes Project 30x 0.00031; 1000 Genomes Project 0.00040.
gnomAD v4.1: 95 of 398,524 alleles (0.024%); highest among the groups gnomAD compares: South Asian, 0.76%; no homozygotes.

Submission:

CeGaT Center for Human Genetics Tuebingen
Classification: Likely benign. Last evaluated: 2025-11-01. Review status: criteria provided, single submitter. Criteria: CeGaT Center For Human Genetics Tuebingen Variant Classification Criteria Version 2. Collection method: clinical testing. Allele origin: germline. Affected: yes. Observed: 5 variant alleles.
Comment: KCNQ1OT1: BS1

NM_000218.3(KCNQ1):c.1394-3880G>T

Genes: KCNQ1 (potassium voltage-gated channel subfamily Q member 1; plus strand), KCNQ1OT1 (KCNQ1 opposite strand/antisense transcript 1; minus strand). Cytogenetic location: 11p15.5.
Variant type: single nucleotide variant.
Coding change: c.1394-3880G>T on transcript NM_000218.3 (MANE Select); 3880 bases into the intron before coding-DNA position 1394, G replaced by T.
Molecular consequence: intron variant.
Genome position (GRCh38, 1-based): chr11:2,658,081, G>T. VCF-style: chr11-2658081-G-T. GRCh37 (hg19) VCF-style: chr11-2679311-G-T.
Other names: c.1124-3880G>T (NM_001406837.1); c.1298-3880G>T (NM_001406836.1); c.854-3880G>T (NM_001406838.1); c.1013-3880G>T (NM_181798.2).
Identifiers: ClinVar variation 1879179 (VCV001879179.29), dbSNP rs560023508, ClinGen allele CA216167845.